The following is an entry in ClinVar:

ClinVar aggregate classification (germline): Uncertain significance (1 of 4 stars; one submission).

Conditions:
Cardiovascular phenotype. Identifiers: MedGen CN230736.

Submission:

Ambry Genetics
Classification: Uncertain significance for Cardiovascular phenotype. Last evaluated: 2024-08-29. Review status: criteria provided, single submitter. Criteria: Ambry Variant Classification Scheme 2023. Collection method: clinical testing. Allele origin: germline.
Comment: The p.M3739K variant (also known as c.11216T>A), located in coding exon 81 of the RYR2 gene, results from a T to A substitution at nucleotide position 11216. The methionine at codon 3739 is replaced by lysine, an amino acid with similar properties. This amino acid position is highly conserved in available vertebrate species. In addition, this alteration is predicted to be deleterious by in silico analysis. Based on the available evidence, the clinical significance of this variant remains unclear.

NM_001035.3(RYR2):c.11216T>A (p.Met3739Lys)

Gene: RYR2 (ryanodine receptor 2; plus strand). Cytogenetic location: 1q43.
Variant type: single nucleotide variant.
Coding change: c.11216T>A on transcript NM_001035.3 (MANE Select); coding-DNA position 11216, T replaced by A.
Protein change: p.Met3739Lys; replaces methionine 3739 with lysine.
Molecular consequence: missense variant.
Genome position (GRCh38, 1-based): chr1:237,756,358, T>A. VCF-style: chr1-237756358-T-A. GRCh37 (hg19) VCF-style: chr1-237919658-T-A.
Other names: short protein forms M3739K.
Identifiers: ClinVar variation 3436572 (VCV003436572.1).
Genomic context (GRCh38, chr1:237,756,358, plus strand): 5'-TGGAAAAGCAAAAGCTTCTATACCAGCAAGCCCGACTCCACGATCGTGGCGCGGCTGAGA[T>A]GGTGCTACAGACAATCAGTGCCAGCAAAGGTAAGGTTCCTTGAGTTCCCCTCACGAGTGT-3'
Protein context (NP_001026.2, residues 3729-3749): ARLHDRGAAE[Met3739Lys]VLQTISASKG